The following is an entry in ClinVar:

NM_001447.3(FAT2):c.503G>A (p.Cys168Tyr)

Gene: FAT2 (FAT atypical cadherin 2; minus strand). Cytogenetic location: 5q33.1.
Variant type: single nucleotide variant.
Coding change: c.503G>A on transcript NM_001447.3 (MANE Select); coding-DNA position 503, G replaced by A.
Protein change: p.Cys168Tyr; replaces cysteine 168 with tyrosine.
Molecular consequence: missense variant.
Genome position (GRCh38, 1-based): chr5:151,568,429, C>T on the plus strand (G>A on the coding strand, the complement: FAT2 is on the minus strand). VCF-style: chr5-151568429-C-T. GRCh37 (hg19) VCF-style: chr5-150947990-C-T.
Other names: c.503G>A (NM_001447.2); short protein forms C168Y.
Identifiers: ClinVar variation 2895848 (VCV002895848.6), dbSNP rs373306836, ClinGen allele CA3522429.

ClinVar aggregate classification (germline): Uncertain significance. Review status: criteria provided, multiple submitters, no conflicts (2 of 4 stars). 3 submissions from 3 submitters: Uncertain significance (2). 1 of the submissions does not count toward it. Last evaluated 2023-02-06.

Conditions:
FAT2-related disorder. Also called: FAT2-related condition.

Allele frequency attached by ClinVar (database versions not stated): TOPMed 0.00002; gnomAD 0.00008; ESP Exome Variant Server 0.00015; ExAC 0.00026; 1000 Genomes Project 30x 0.00031; 1000 Genomes Project 0.00040.

Submissions (3):

Ambry Genetics
Classification: Uncertain significance. Last evaluated: 2023-02-06. Review status: criteria provided, single submitter. Criteria: Ambry Variant Classification Scheme 2023. Collection method: clinical testing. Allele origin: germline.

Labcorp Genetics (formerly Invitae), Labcorp
Classification: Uncertain significance. Last evaluated: 2022-12-14. Review status: criteria provided, single submitter. Criteria: Invitae Variant Classification Sherloc (09022015). Collection method: clinical testing. Allele origin: germline.
Comment: This sequence change replaces cysteine, which is neutral and slightly polar, with tyrosine, which is neutral and polar, at codon 168 of the FAT2 protein (p.Cys168Tyr). This variant is present in population databases (rs373306836, gnomAD 0.2%), and has an allele count higher than expected for a pathogenic variant. This variant has not been reported in the literature in individuals affected with FAT2-related conditions. Algorithms developed to predict the effect of missense changes on protein structure and function are either unavailable or do not agree on the potential impact of this missense change (SIFT: "Deleterious"; PolyPhen-2: "Probably Damaging"; Align-GVGD: "Class C15"). In summary, the available evidence is currently insufficient to determine the role of this variant in disease. Therefore, it has been classified as a Variant of Uncertain Significance.

PreventionGenetics, part of Exact Sciences
Classification: Likely benign for FAT2-related condition. Last evaluated: 2022-09-13. Review status: no assertion criteria provided. Collection method: clinical testing. Allele origin: germline. Not counted in ClinVar's aggregate classification.
Comment: This variant is classified as likely benign based on ACMG/AMP sequence variant interpretation guidelines (Richards et al. 2015 PMID: 25741868, with internal and published modifications).